The following is an entry in ClinVar:

NM_000135.4(FANCA):c.2825A>C (p.Glu942Ala)

Gene: FANCA (FA complementation group A; minus strand). Cytogenetic location: 16q24.3.
Variant type: single nucleotide variant.
Coding change: c.2825A>C on transcript NM_000135.4 (MANE Select); coding-DNA position 2825, A replaced by C.
Protein change: p.Glu942Ala; replaces glutamic acid 942 with alanine.
Molecular consequence: missense variant.
Genome position (GRCh38, 1-based): chr16:89,761,976, T>G on the plus strand (A>C on the coding strand, the complement: FANCA is on the minus strand). VCF-style: chr16-89761976-T-G. GRCh37 (hg19) VCF-style: chr16-89828384-T-G.
Other names: c.2825A>C, p.Glu942Ala (NM_001286167.3); short protein forms E942A.
Identifiers: ClinVar variation 3848294 (VCV003848294.1).

ClinVar aggregate classification (germline): Uncertain significance (1 of 4 stars; one submission).

Conditions:
Inborn genetic diseases. Identifiers: MedGen C0950123, MeSH D030342.

Submission:

Ambry Genetics
Classification: Uncertain significance for Inborn genetic diseases. Last evaluated: 2025-03-08. Review status: criteria provided, single submitter. Criteria: Ambry Variant Classification Scheme 2023. Collection method: clinical testing. Allele origin: germline.
Comment: The p.E942A variant (also known as c.2825A>C), located in coding exon 29 of the FANCA gene, results from an A to C substitution at nucleotide position 2825. The glutamic acid at codon 942 is replaced by alanine, an amino acid with dissimilar properties. This amino acid position is conserved. In addition, this alteration is predicted to be tolerated by in silico analysis. Based on the available evidence, the clinical significance of this variant remains unclear.